The following is an entry in ClinVar:

ClinVar aggregate classification (germline): Conflicting classifications of pathogenicity. Review status: criteria provided, conflicting classifications (1 of 4 stars). 18 submissions from 18 submitters: Uncertain significance (11); Benign (1); Likely benign (3). 3 of the submissions do not count toward it. Last evaluated 2026-08-21.

Conditions:
CPA6-related disorder. Also called: CPA6-related condition.
Self-limited epilepsy with centrotemporal spikes. Also called: Childhood epilepsy with centrotemporal spikes; Rolandic epilepsy. Identifiers: Orphanet 1945, MedGen C0376532, MONDO:0007295.
Familial temporal lobe epilepsy 5. Identifiers: MedGen C3280730, MONDO:0013741, OMIM 614417.
Febrile seizures, familial, 11 (FEB11). Also called: CONVULSIONS, FAMILIAL FEBRILE, 11. Identifiers: MedGen C3280734, MONDO:0024566, OMIM 614418.
Global developmental delay (DD). Also called: Cognitive delay. Identifiers: MedGen C0557874, HP:0001263. Disease mechanism: loss of function.
Epilepsy. Also called: Seizure disorder. Identifiers: MedGen C0014544, MeSH D004827, MONDO:0005027.
Palpitations. Identifiers: MedGen C0030252, HP:0001962.
Periventricular heterotopia. Identifiers: MedGen C5399973, HP:0007165.
Irregular menstruation. Also called: Menstrual irregularities; irregular menstrual cycle. Identifiers: MedGen C0156404, HP:0000858.
Confusion. Identifiers: MedGen C0009676, HP:0001289.
Seizure. Also called: Seizures. Identifiers: MedGen C0036572, HP:0001250.
Focal-onset seizure. Also called: Focal seizures. Identifiers: MedGen C0751495, HP:0007359.
Abnormal emotional state. Also called: Abnormal emotion. Identifiers: MedGen C4020949, HP:0100851.

Allele frequency attached by ClinVar (database versions not stated): 1000 Genomes Project 0.00140; 1000 Genomes Project 30x 0.00141; ExAC 0.00211; gnomAD 0.00239; TOPMed 0.00283; gnomAD exomes 0.00291; ESP Exome Variant Server 0.00323.

Submissions (18):

PreventionGenetics, part of Exact Sciences
Classification: Uncertain significance for CPA6-related condition. Last evaluated: 2026-08-21. Review status: criteria provided, single submitter. Criteria: ACMG Guidelines, 2015. Collection method: clinical testing. Allele origin: germline.
Comment: The CPA6 c.799G>A variant is predicted to result in the amino acid substitution p.Gly267Arg. This variant has been reported in the heterozygous state in three unrelated individuals with temporal lobe epilepsy; in which, one of the patients harbored a second heterozygous variant of uncertain significance with unknown phase (Subject ET 158, p.Gln207Glu, Salzmann et al. 2012. PubMed ID: 21922598; Sapio et al. 2012. PubMed ID: 23105115). An in vitro experimental study using an overexpression system has indicated that the p.Gly267Arg missense variant causes a strong reduction of protein level and carboxypeptidase activity, leading the authors to speculate that it may be pathogenic for recessive disease (Sapio et al. 2012. PubMed ID: 23105115). This variant is reported in 0.38% of alleles in individuals of African descent in gnomAD. At this time, the clinical significance of this variant is uncertain due to the absence of conclusive functional and genetic evidence.

Labcorp Genetics (formerly Invitae), Labcorp
Classification: Likely benign for Febrile seizures, familial, 11. Last evaluated: 2026-01-15. Review status: criteria provided, single submitter. Criteria: Invitae Variant Classification Sherloc (09022015). Collection method: clinical testing. Allele origin: germline.

Blueprint Genetics
Classification: Likely benign. Last evaluated: 2024-11-26. Review status: criteria provided, single submitter. Criteria: ACMG Guidelines, 2015. Collection method: clinical testing. Allele origin: germline.

Women's Health and Genetics/Laboratory Corporation of America, LabCorp
Classification: Uncertain significance. Last evaluated: 2024-08-15. Review status: criteria provided, single submitter. Criteria: LabCorp Variant Classification Summary - May 2015. Collection method: clinical testing. Allele origin: germline.
Comment: Variant summary: CPA6 c.799G>A (p.Gly267Arg) results in a non-conservative amino acid change located in the peptidase M14, carboxypeptidase A domain (IPR000834) of the encoded protein sequence. Five of five in-silico tools predict a damaging effect of the variant on protein function. The variant allele was found at a frequency of 0.0029 in 1614204 control chromosomes, predominantly at a frequency of 0.0034 within the African or African-American subpopulation in the gnomAD database (v4.1.0), including 8 homozygotes. c.799G>A has been reported in the literature in heterozygous individuals affected with temporal lobe epilepsy (Salzmann_2012). It has also been reported to co-occur with another CPA6 missense variant, p.Gln207Glu, either in cis or phase unknown, in patients with CPA6-Related Disorders (e.g. Sapio_2012, Muona_2015, van Eyk_2021, Bobbili_2018, Allen_2016, Sanchis-Juan_2023, Coppola_2024). These report(s) do not provide unequivocal conclusions about association of the variant with CPA6-Related Disorders. At least one publication reports experimental evidence evaluating an impact on protein function. The most pronounced variant effect results in <10% of normal carboxypeptidase activity in transfected cells (Salzmann_2012, Sapio_2012). The following publications have been ascertained in the context of this evaluation (PMID: 26648591, 29358611, 38088023, 25401298, 21922598, 37541188, 23105115, 34531397). ClinVar contains an entry for this variant (Variation ID: 281269). Based on the evidence outlined above, the variant was classified as VUS-possibly benign.

Athena Diagnostics
Classification: Benign. Last evaluated: 2024-01-03. Review status: criteria provided, single submitter. Criteria: Athena Diagnostics Criteria. Collection method: clinical testing. Allele origin: unknown.

Revvity Omics, Revvity
Classification: Uncertain significance. Last evaluated: 2024-01-03. Review status: criteria provided, single submitter. Criteria: ACMG Guidelines, 2015. Collection method: clinical testing. Allele origin: germline.

Department of Pathology and Laboratory Medicine, Sinai Health System
Classification: Uncertain significance for epilepsy. Last evaluated: 2022-11-10. Review status: criteria provided, single submitter. Criteria: ACMG Guidelines, 2015. Collection method: research. Allele origin: germline.

Institute for Clinical Genetics, University Hospital TU Dresden, University Hospital TU Dresden
Classification: Uncertain significance. Last evaluated: 2021-11-03. Review status: criteria provided, single submitter. Criteria: ACMG Guidelines, 2015. Collection method: clinical testing. Allele origin: germline.

New York Genome Center
Classification: Uncertain significance for Familial temporal lobe epilepsy 5; Febrile seizures, familial, 11. Last evaluated: 2021-06-21. Review status: criteria provided, single submitter. Criteria: NYGC Assertion Criteria 2020. Collection method: clinical testing. Allele origin: inherited. Observed: 1 variant allele. Study: CSER-NYCKidSeq.
Comment: The inherited missense variant c.799G>A (p.Gly267Arg) in the CPA6 gene has been reported in the literature in individuals affected with epilepsy [PMIDs: 21922598, 23105115, 26648591]. This variant has been reported as heterozygous in two unrelated individuals affected with temporal lobe epilepsy [PMID:21922598]. The c.799G>A (p.Gly267Arg) variant has 0.002496 allele frequency in the gnomAD(v3) database (380 out of 152214 heterozygous alleles, no homozygotes). This variant affects evolutionarily conserved residues and is predicted deleterious by multiple in silico prediction tools. In vitro functional expression studies in cellular assays suggest that this variant reduces the CPA6 enzymatic activity compared to wild type protein [PMIDs: 21922598, 23105115]. However, additional studies are needed to determine the clinical significance of this variant. Based on the available evidence, the inherited heterozygous missense variant c.799G>A (p.Gly267Arg)] identified in the CPA6 gene is reported as a variant of uncertain significance.

GeneDx
Classification: Uncertain significance. Last evaluated: 2021-01-04. Review status: criteria provided, single submitter. Criteria: GeneDx Variant Classification Process June 2021. Collection method: clinical testing. Allele origin: germline. Affected: yes.
Comment: Reported in two unrelated individuals with temporal lobe epilepsy who were not reported to harbor the Q207E variant and had no detectable mutant protein in the extracellular matrix where wild-type enzyme is typically observed (Salzmann et al., 2012); Reported in an individual with temporal lobe epilepsy who was also heterozygous for the Q207E variant, but familial segregation information was not included (Sapio et al., 2012; Salzmann et al., 2012); Reported in cis with Q207E in an individual with early onset epileptic encephalopathy, inherited from the individual's mother who was reported to have unexplained epilepsy but not epileptic encephalopathy (Allen et al., 2016); In silico analysis supports that this missense variant has a deleterious effect on protein structure/function; This variant is associated with the following publications: (PMID: 23105115, 26648591, 32581362, 33096746, 28761347, 29358611, 21922598)

Eurofins Ntd Llc (ga)
Classification: Uncertain significance. Last evaluated: 2018-05-25. Review status: criteria provided, single submitter. Criteria: EGL ClinVar v180209 classification definitions. Collection method: clinical testing. Allele origin: germline. Observed: 8 variant alleles, 8 heterozygotes.

Baylor Genetics
Classification: Uncertain significance for Familial temporal lobe epilepsy 5. Last evaluated: 2018-02-01. Review status: criteria provided, single submitter. Criteria: ACMG Guidelines, 2015. Collection method: clinical testing. Allele origin: maternal. Affected: yes.
Comment: This variant was determined to be of uncertain significance according to ACMG Guidelines, 2015 [PMID:25741868].

Illumina Laboratory Services, Illumina
Classification: Uncertain significance for Familial temporal lobe epilepsy 5. Last evaluated: 2017-04-27. Review status: criteria provided, single submitter. Criteria: ICSL Variant Classification Criteria 13 December 2019. Collection method: clinical testing. Allele origin: germline.

Claritas Genomics
Classification: Uncertain significance. Last evaluated: 2017-02-21. Review status: criteria provided, single submitter. Criteria: ACMG Guidelines, 2015. Collection method: clinical testing. Allele origin: germline. Affected: yes.

Molecular Genetics Lab, CHRU Brest
Classification: Likely benign for Febrile seizures, familial, 11. Review status: criteria provided, single submitter. Criteria: ACMG Guidelines, 2015. Collection method: clinical testing. Allele origin: maternal. Affected: yes.

Bioinformatics Core, Luxembourg Center for Systems Biomedicine
Classification: Pathogenic for Self-limited epilepsy with centrotemporal spikes. Last evaluated: 2017-01-01. Review status: no assertion criteria provided. Collection method: case-control. Allele origin: germline. Affected: yes. Study: EUROEPINOMICS COGIE. Not counted in ClinVar's aggregate classification.

OMIM
Classification: Pathogenic for EPILEPSY, FAMILIAL TEMPORAL LOBE, 5. Last evaluated: 2012-12-14. Review status: no assertion criteria provided. Collection method: literature only. Allele origin: germline. Not counted in ClinVar's aggregate classification.

NIHR Bioresource Rare Diseases, University of Cambridge
Classification: Likely pathogenic for Irregular menstruation; Seizure; Confusion; Palpitations; Focal-onset seizure; Abnormal emotional state; Periventricular heterotopia. Review status: no assertion criteria provided. Collection method: research. Allele origin: unknown. Affected: yes. Observed: 1 variant allele. Not counted in ClinVar's aggregate classification.

Literature cited by the submitters: PubMed 25401298 (cited by Women's Health and Genetics/Laboratory Corporation of America, LabCorp); PubMed 29358611 (cited by Women's Health and Genetics/Laboratory Corporation of America, LabCorp and Bioinformatics Core, Luxembourg Center for Systems Biomedicine); PubMed 34531397 (cited by Women's Health and Genetics/Laboratory Corporation of America, LabCorp); PubMed 37541188 (cited by Women's Health and Genetics/Laboratory Corporation of America, LabCorp); PubMed 26648591 (cited by Women's Health and Genetics/Laboratory Corporation of America, LabCorp and Athena Diagnostics); PubMed 38088023 (cited by Women's Health and Genetics/Laboratory Corporation of America, LabCorp); PubMed 21922598 (cited by 3 submitters); PubMed 23105115 (cited by 3 submitters); PubMed 28761347 (cited by Athena Diagnostics); PubMed 32581362 (cited by NIHR Bioresource Rare Diseases, University of Cambridge).

NM_020361.5(CPA6):c.799G>A (p.Gly267Arg)

Genes: ARFGEF1-DT (ARFGEF1 divergent transcript; plus strand), CPA6 (carboxypeptidase A6; minus strand). Cytogenetic location: 8q13.2.
Variant type: single nucleotide variant.
Coding change: c.799G>A on transcript NM_020361.5 (MANE Select); coding-DNA position 799, G replaced by A.
Protein change: p.Gly267Arg; replaces glycine 267 with arginine.
Molecular consequence: missense variant.
Genome position (GRCh38, 1-based): chr8:67,483,807, C>T on the plus strand (G>A on the coding strand, the complement: CPA6 is on the minus strand). VCF-style: chr8-67483807-C-T. GRCh37 (hg19) VCF-style: chr8-68396042-C-T.
Other names: short protein forms G267R.
Identifiers: ClinVar variation 281269 (VCV000281269.36), dbSNP rs61738009, ClinGen allele CA4772841.
Genomic context (GRCh38, chr8:67,483,807, plus strand): 5'-CCCAGTTGGTCCCAAACTTACCACACCACTTCACTTTCCAGTTTCTATTGGCATCCACTC[C>T]ACGGCAGCGAAACCTTGAGTTCCTTGACCTTGTTTTTCTCCAAAATCGATCCTAGACATA-3'
Protein context (NP_065094.3, residues 257-277): RSRNSRFRCR[Gly267Arg]VDANRNWKVK